The following is an entry in ClinVar:

ClinVar aggregate classification (germline): Uncertain significance (1 of 4 stars; one submission).

Conditions:
Glutamate pyruvate transaminase 2 deficiency (NEDSPM). Also called: Neurodevelopmental disorder with microcephaly and spastic paraplegia. Identifiers: Orphanet 477673, MedGen C4225388, MONDO:0014567, OMIM 616281.

Submission:

Victorian Clinical Genetics Services, Murdoch Childrens Research Institute
Classification: Uncertain significance for Glutamate pyruvate transaminase 2 deficiency. Last evaluated: 2023-12-20. Review status: criteria provided, single submitter. Criteria: ACMG Guidelines, 2015. Collection method: clinical testing. Allele origin: germline. Inheritance: Autosomal recessive inheritance. Affected: yes.
Comment: Based on the classification scheme VCGS_Germline_v1.3.4, this variant is classified as VUS-3C. Following criteria are met: 0102 - Loss of function is a known mechanism of disease in this gene and is associated with neurodevelopmental disorder with microcephaly and spastic paraplegia (MIM#616281). (I) 0106 - This gene is associated with autosomal recessive disease. (I) 0200 - Variant is predicted to result in a missense amino acid change from arginine to threonine. (I) 0251 - This variant is heterozygous. (I) 0301 - Variant is absent from gnomAD (both v2 and v3). (SP) 0309 - An alternative amino acid change at the same position has been observed in gnomAD (v3) (1 heterozygote, 0 homozygotes). (I) 0502 - Missense variant with conflicting in silico predictions and uninformative conservation. (I) 0600 - Variant is located in the annotated aminotransferase class I and II domain (DECIPHER). (I) 0705 - No comparable missense variants have previous evidence for pathogenicity. (I) 0807 - This variant has no previous evidence of pathogenicity. (I) 0905 - No published segregation evidence has been identified for this variant. (I) 1007 - No published functional evidence has been identified for this variant. (I) Legend: (SP) - Supporting pathogenic, (I) - Information, (SB) - Supporting benign

NM_133443.4(GPT2):c.935G>C (p.Arg312Thr)

Genes: GPT2 (glutamic--pyruvic transaminase 2; plus strand), LOC130058930 (ATAC-STARR-seq lymphoblastoid active region 10781; plus strand). Cytogenetic location: 16q11.2.
Variant type: single nucleotide variant.
Coding change: c.935G>C on transcript NM_133443.4 (MANE Select); coding-DNA position 935, G replaced by C.
Protein change: p.Arg312Thr; replaces arginine 312 with threonine.
Molecular consequence: missense variant.
Genome position (GRCh38, 1-based): chr16:46,918,655, G>C. VCF-style: chr16-46918655-G-C. GRCh37 (hg19) VCF-style: chr16-46952567-G-C.
Other names: c.635G>C, p.Arg212Thr (NM_001142466.3); short protein forms R212T, R312T.
Identifiers: ClinVar variation 3254779 (VCV003254779.1), dbSNP rs1961219466.